The following is an entry in ClinVar:

NM_020971.3(SPTBN4):c.7234C>A (p.Pro2412Thr)

Genes: SPTBN4 (spectrin beta, non-erythrocytic 4; plus strand), LOC130064467 (ATAC-STARR-seq lymphoblastoid silent region 10632; plus strand). Cytogenetic location: 19q13.2.
Variant type: single nucleotide variant.
Coding change: c.7234C>A on transcript NM_020971.3 (MANE Select); coding-DNA position 7234, C replaced by A.
Protein change: p.Pro2412Thr; replaces proline 2412 with threonine.
Molecular consequence: missense variant.
Genome position (GRCh38, 1-based): chr19:40,570,643, C>A. VCF-style: chr19-40570643-C-A. GRCh37 (hg19) VCF-style: chr19-41076549-C-A.
Other names: short protein forms P2412T.
Identifiers: ClinVar variation 3360116 (VCV003360116.1).

ClinVar aggregate classification (germline): Uncertain significance (1 of 4 stars; one submission).

Submission:

GeneDx
Classification: Uncertain significance. Last evaluated: 2023-06-27. Review status: criteria provided, single submitter. Criteria: GeneDx Variant Classification Process June 2021. Collection method: clinical testing. Allele origin: germline. Affected: yes.
Comment: Not observed at significant frequency in large population cohorts (gnomAD); In silico analysis supports that this missense variant does not alter protein structure/function; Has not been previously published as pathogenic or benign to our knowledge